The following is an entry in ClinVar:

NM_144773.4(PROKR2):c.950T>A (p.Val317Glu)

Gene: PROKR2 (prokineticin receptor 2; minus strand). Cytogenetic location: 20p12.3.
Variant type: single nucleotide variant.
Coding change: c.950T>A on transcript NM_144773.4 (MANE Select); coding-DNA position 950, T replaced by A.
Protein change: p.Val317Glu; replaces valine 317 with glutamic acid.
Molecular consequence: missense variant.
Genome position (GRCh38, 1-based): chr20:5,302,245, A>T on the plus strand (T>A on the coding strand, the complement: PROKR2 is on the minus strand). VCF-style: chr20-5302245-A-T. GRCh37 (hg19) VCF-style: chr20-5282891-A-T.
Other names: short protein forms V317E.
Identifiers: ClinVar variation 3902585 (VCV003902585.1).
Genomic context (GRCh38, chr20:5,302,245, plus strand): 5'-TTGACCGTCACGAAGCACACGGTGTTGATCATGCTGTTGCTCATGGCGATGCACTCGACC[A>T]CGTAGAAGGCAGTGAGGTAGTGCTTTTCCTTCACGAACACAGTGGGGAAGAAGTCACGAA-3'
Protein context (NP_658986.1, residues 307-327): KEKHYLTAFY[Val317Glu]VECIAMSNSM

ClinVar aggregate classification (germline): Uncertain significance (1 of 4 stars; one submission).

Submission:

Women's Health and Genetics/Laboratory Corporation of America, LabCorp
Classification: Uncertain significance. Last evaluated: 2025-05-28. Review status: criteria provided, single submitter. Criteria: LabCorp Variant Classification Summary - May 2015. Collection method: clinical testing. Allele origin: germline.
Comment: Variant summary: PROKR2 c.950T>A (p.Val317Glu) results in a non-conservative amino acid change in the encoded protein sequence. Algorithms developed to predict the effect of missense changes on protein structure and function are either unavailable or do not agree on the potential impact of this missense change. The variant was absent in 251492 control chromosomes. The available data on variant occurrences in the general population are insufficient to allow any conclusion about variant significance. To our knowledge, no occurrence of c.950T>A in individuals affected with Kallmann Syndrome 3 and no experimental evidence demonstrating its impact on protein function have been reported. No submitters have cited clinical-significance assessments for this variant to ClinVar. Based on the evidence outlined above, the variant was classified as uncertain significance.